The following is an entry in ClinVar:

ClinVar aggregate classification (germline): Uncertain significance (1 of 4 stars; one submission).

Submission:

Labcorp Genetics (formerly Invitae), Labcorp
Classification: Uncertain significance. Last evaluated: 2021-12-12. Review status: criteria provided, single submitter. Criteria: Invitae Variant Classification Sherloc (09022015). Collection method: clinical testing. Allele origin: germline.
Comment: In summary, the available evidence is currently insufficient to determine the role of this variant in disease. Therefore, it has been classified as a Variant of Uncertain Significance. Advanced modeling of protein sequence and biophysical properties (such as structural, functional, and spatial information, amino acid conservation, physicochemical variation, residue mobility, and thermodynamic stability) performed at Invitae indicates that this missense variant is not expected to disrupt ABCA4 protein function. This variant has not been reported in the literature in individuals affected with ABCA4-related conditions. This variant is not present in population databases (gnomAD no frequency). This sequence change replaces isoleucine, which is neutral and non-polar, with valine, which is neutral and non-polar, at codon 1615 of the ABCA4 protein (p.Ile1615Val).

NM_000350.3(ABCA4):c.4843A>G (p.Ile1615Val)

Genes: ABCA4 (ATP binding cassette subfamily A member 4; minus strand), LOC126805793 (CDK7 strongly-dependent group 2 enhancer GRCh37_chr1:94486302-94487501; plus strand). Cytogenetic location: 1p22.1.
Variant type: single nucleotide variant.
Coding change: c.4843A>G on transcript NM_000350.3 (MANE Select); coding-DNA position 4843, A replaced by G.
Protein change: p.Ile1615Val; replaces isoleucine 1615 with valine.
Molecular consequence: missense variant.
Genome position (GRCh38, 1-based): chr1:94,021,645, T>C on the plus strand (A>G on the coding strand, the complement: ABCA4 is on the minus strand). VCF-style: chr1-94021645-T-C. GRCh37 (hg19) VCF-style: chr1-94487201-T-C.
Other names: c.4621A>G, p.Ile1541Val (NM_001425324.1); short protein forms I1615V, I1541V.
Identifiers: ClinVar variation 1436331 (VCV001436331.6), dbSNP rs2101023492, ClinGen allele CA341283563.